The following is an entry in ClinVar:

ClinVar aggregate classification (germline): Likely benign. Review status: criteria provided, multiple submitters, no conflicts (2 of 4 stars). 5 submissions from 5 submitters: Likely benign (4). 1 of the submissions does not count toward it. Last evaluated 2026-05-01.

Conditions:
RERE-related disorder. Also called: RERE-related condition; RERE-Related Disorders. Identifiers: MedGen CN381537.
Inborn genetic diseases. Identifiers: MedGen C0950123, MeSH D030342.

Allele frequency attached by ClinVar (database versions not stated): 1000 Genomes Project 30x 0.00031; TOPMed 0.00144; gnomAD 0.00145 and 0.00162; ESP Exome Variant Server 0.00146.
gnomAD v4.1: 3,472 of 1,608,774 alleles (0.22%); highest among the groups gnomAD compares: Non-Finnish European, 0.27%; 8 homozygotes.

Submissions (5):

CeGaT Center for Human Genetics Tuebingen
Classification: Likely benign. Last evaluated: 2026-05-01. Review status: criteria provided, single submitter. Criteria: CeGaT Center For Human Genetics Tuebingen Variant Classification Criteria Version 2. Collection method: clinical testing. Allele origin: germline. Affected: yes. Observed: 8 variant alleles.
Comment: RERE: BP4, BS1

Labcorp Genetics (formerly Invitae), Labcorp
Classification: Likely benign. Last evaluated: 2025-11-19. Review status: criteria provided, single submitter. Criteria: Invitae Variant Classification Sherloc (09022015). Collection method: clinical testing. Allele origin: germline.

Ambry Genetics
Classification: Likely benign for Inborn genetic diseases. Last evaluated: 2024-12-12. Review status: criteria provided, single submitter. Criteria: Ambry Variant Classification Scheme 2023. Collection method: clinical testing. Allele origin: germline.

Blueprint Genetics
Classification: Likely benign. Last evaluated: 2024-11-19. Review status: criteria provided, single submitter. Criteria: ACMG Guidelines, 2015. Collection method: clinical testing. Allele origin: germline.

PreventionGenetics, part of Exact Sciences
Classification: Likely benign for RERE-related condition. Last evaluated: 2020-06-25. Review status: no assertion criteria provided. Collection method: clinical testing. Allele origin: germline. Not counted in ClinVar's aggregate classification.
Comment: This variant is classified as likely benign based on ACMG/AMP sequence variant interpretation guidelines (Richards et al. 2015 PMID: 25741868, with internal and published modifications).

NM_001042681.2(RERE):c.1117G>A (p.Gly373Ser)

Gene: RERE (arginine-glutamic acid dipeptide repeats; minus strand). Cytogenetic location: 1p36.23.
Variant type: single nucleotide variant.
Coding change: c.1117G>A on transcript NM_001042681.2 (MANE Select); coding-DNA position 1117, G replaced by A.
Protein change: p.Gly373Ser; replaces glycine 373 with serine.
Molecular consequence: missense variant.
Genome position (GRCh38, 1-based): chr1:8,466,011, C>T on the plus strand (G>A on the coding strand, the complement: RERE is on the minus strand). VCF-style: chr1-8466011-C-T. GRCh37 (hg19) VCF-style: chr1-8526071-C-T.
Other names: c.1117G>A, p.Gly373Ser (NM_012102.4); short protein forms G373S.
Identifiers: ClinVar variation 789688 (VCV000789688.35), dbSNP rs144174535, ClinGen allele CA571859.